The following is an entry in ClinVar:

ClinVar aggregate classification (germline): Uncertain significance. Review status: criteria provided, multiple submitters, no conflicts (2 of 4 stars). 2 submissions from 2 submitters: Uncertain significance (2). Last evaluated 2023-02-10.

Conditions:
Inborn genetic diseases. Identifiers: MedGen C0950123, MeSH D030342.

Allele frequency attached by ClinVar (database versions not stated): gnomAD 0.00001; TOPMed 0.00002; gnomAD exomes 0.00004.
gnomAD v4.1: 58 of 1,614,062 alleles (0.0036%); highest among the groups gnomAD compares: Non-Finnish European, 0.0048%; no homozygotes.

Submissions (2):

Ambry Genetics
Classification: Uncertain significance for Inborn genetic diseases. Last evaluated: 2023-02-10. Review status: criteria provided, single submitter. Criteria: Ambry Variant Classification Scheme 2023. Collection method: clinical testing. Allele origin: germline.

Labcorp Genetics (formerly Invitae), Labcorp
Classification: Uncertain significance. Last evaluated: 2022-07-29. Review status: criteria provided, single submitter. Criteria: Invitae Variant Classification Sherloc (09022015). Collection method: clinical testing. Allele origin: germline.
Comment: This sequence change replaces aspartic acid, which is acidic and polar, with asparagine, which is neutral and polar, at codon 223 of the CDHR1 protein (p.Asp223Asn). This variant is not present in population databases (gnomAD no frequency). This variant has not been reported in the literature in individuals affected with CDHR1-related conditions. Advanced modeling of protein sequence and biophysical properties (such as structural, functional, and spatial information, amino acid conservation, physicochemical variation, residue mobility, and thermodynamic stability) performed at Invitae indicates that this missense variant is not expected to disrupt CDHR1 protein function. In summary, the available evidence is currently insufficient to determine the role of this variant in disease. Therefore, it has been classified as a Variant of Uncertain Significance.

NM_033100.4(CDHR1):c.667G>A (p.Asp223Asn)

Gene: CDHR1 (cadherin related family member 1; plus strand). Cytogenetic location: 10q23.1.
Variant type: single nucleotide variant.
Coding change: c.667G>A on transcript NM_033100.4 (MANE Select); coding-DNA position 667, G replaced by A.
Protein change: p.Asp223Asn; replaces aspartic acid 223 with asparagine.
Molecular consequence: missense variant.
Genome position (GRCh38, 1-based): chr10:84,203,007, G>A. VCF-style: chr10-84203007-G-A. GRCh37 (hg19) VCF-style: chr10-85962763-G-A.
Other names: c.667G>A, p.Asp223Asn (NM_001171971.3); c.667G>A (NM_033100.2); short protein forms D223N.
Identifiers: ClinVar variation 2139475 (VCV002139475.3), dbSNP rs766579684, ClinGen allele CA210380742.